The following is an entry in ClinVar:

NM_001142800.2(EYS):c.2935_2936delinsT (p.Glu978_Glu979insTer)

Gene: EYS (EGF-like photoreceptor maintenance factor; minus strand). Cytogenetic location: 6q12.
Variant type: Indel.
Coding change: c.2935_2936delinsT on transcript NM_001142800.2 (MANE Select); coding-DNA positions 2935 to 2936, GA replaced by T.
Protein change: p.Glu978_Glu979insTer.
Molecular consequence: nonsense.
Genome position (GRCh38, 1-based): chr6:64,886,753-64,886,754, TC replaced by A on the plus strand (GA replaced by T on the coding strand, the reverse complement: EYS is on the minus strand). VCF-style: chr6-64886753-TC-A. GRCh37 (hg19) VCF-style: chr6-65596646-TC-A.
Other names: c.2935_2936delinsT, p.Glu978_Glu979insTer (NM_001292009.2).
Identifiers: ClinVar variation 4855484 (VCV004855484.1).
Genomic context (GRCh38, chr6:64,886,753, plus strand): 5'-TTACCTGTATAACCAGGGGCACAGAGGCAGTTGTATCCATCAGTCCTGTAGACACAATTT[TC>A]TTCATCTAGACAAGGTGAGATTTTACATTTATTTACATCAAGTTCACAGAAGGGCCCATG-3'

ClinVar aggregate classification (germline): Pathogenic (1 of 4 stars; one submission).

Conditions:
Retinitis pigmentosa 25 (RP25). Identifiers: Orphanet 791, MedGen C1864446, MONDO:0011272, OMIM 602772.

Submission:

3billion
Classification: Pathogenic for Retinitis pigmentosa 25. Last evaluated: 2025-12-30. Review status: criteria provided, single submitter. Criteria: ACMG Guidelines, 2015. Collection method: clinical testing. Allele origin: germline. Affected: yes.
Comment: The variant is not observed in the gnomAD v4.1.0 dataset. Predicted Consequence/Location: Stop-gained (nonsense): predicted to result in a loss or disruption of normal protein function through nonsense-mediated decay (NMD) or protein truncation. Multiple pathogenic variants are reported downstream of the variant. Therefore, this variant is classified as Pathogenic according to the recommendation of ACMG/AMP guideline.